The following is an entry in ClinVar:

NM_000379.4(XDH):c.3875A>G (p.Lys1292Arg)

Gene: XDH (xanthine dehydrogenase; minus strand). Cytogenetic location: 2p23.1.
Variant type: single nucleotide variant.
Coding change: c.3875A>G on transcript NM_000379.4 (MANE Select); coding-DNA position 3875, A replaced by G.
Protein change: p.Lys1292Arg; replaces lysine 1292 with arginine.
Molecular consequence: missense variant.
Genome position (GRCh38, 1-based): chr2:31,337,717, T>C on the plus strand (A>G on the coding strand, the complement: XDH is on the minus strand). VCF-style: chr2-31337717-T-C. GRCh37 (hg19) VCF-style: chr2-31560583-T-C.
Other names: short protein forms K1292R.
Identifiers: ClinVar variation 335757 (VCV000335757.19), dbSNP rs73922346, ClinGen allele CA1598231.

ClinVar aggregate classification (germline): Conflicting classifications of pathogenicity. Review status: criteria provided, conflicting classifications (1 of 4 stars). 6 submissions from 6 submitters: Uncertain significance (2); Likely benign (3). 1 of the submissions does not count toward it. Last evaluated 2026-01-19.

Conditions:
XDH-related disorder. Also called: XDH-related condition.
Xanthinuria type II. Also called: Xanthine dehydrogenase and aldehyde oxidase combined deficiency of; XDH and AOX dual deficiency. Identifiers: Orphanet 3467, Orphanet 93602, MedGen C1863688, MONDO:0011346, OMIM 603592.
Inborn genetic diseases. Identifiers: MedGen C0950123, MeSH D030342.
Hereditary xanthinuria type 1 (XAN1). Identifiers: Orphanet 3467, Orphanet 93601, MedGen C0268118, MONDO:0010209, OMIM 278300.

Allele frequency attached by ClinVar (database versions not stated): gnomAD exomes 0.00016 and 0.00052; ExAC 0.00070; gnomAD 0.00185 and 0.00193; TOPMed 0.00209; ESP Exome Variant Server 0.00223; 1000 Genomes Project 0.00300; 1000 Genomes Project 30x 0.00406.
gnomAD v4.1: 525 of 1,614,202 alleles (0.033%); highest among the groups gnomAD compares: African/African-American, 0.64%; 1 homozygote.

Submissions (7):

Labcorp Genetics (formerly Invitae), Labcorp
Classification: Likely benign for Xanthinuria type II. Last evaluated: 2026-01-19. Review status: criteria provided, single submitter. Criteria: Invitae Variant Classification Sherloc (09022015). Collection method: clinical testing. Allele origin: germline.

Ambry Genetics
Classification: Uncertain significance for Inborn genetic diseases. Last evaluated: 2025-10-22. Review status: criteria provided, single submitter. Criteria: Ambry Variant Classification Scheme 2023. Collection method: clinical testing. Allele origin: germline.

Blueprint Genetics
Classification: Uncertain significance. Last evaluated: 2024-03-11. Review status: criteria provided, single submitter. Criteria: ACMG Guidelines, 2015. Collection method: clinical testing. Allele origin: germline.

Illumina Laboratory Services, Illumina
Classification: Likely benign for Hereditary xanthinuria type 1. Last evaluated: 2018-01-12. Review status: criteria provided, single submitter. Criteria: ICSL Variant Classification Criteria 13 December 2019. Collection method: clinical testing. Allele origin: germline.
Comment: This variant was observed in the ICSL laboratory as part of a predisposition screen in an ostensibly healthy population. It had not been previously curated by ICSL or reported in the Human Gene Mutation Database (HGMD: prior to June 1st, 2018), and was therefore a candidate for classification through an automated scoring system. Utilizing variant allele frequency, disease prevalence and penetrance estimates, and inheritance mode, an automated score was calculated to assess if this variant is too frequent to cause the disease. Based on the score and internal cut-off values, a variant classified as likely benign is not then subjected to further curation. The score for this variant resulted in a classification of likely benign for this disease.

Breakthrough Genomics
Classification: Likely benign. Review status: criteria provided, single submitter. Criteria: ACMG Guidelines, 2015. Collection method: not provided. Allele origin: germline. Inheritance: Autosomal recessive inheritance. Affected: yes.

PreventionGenetics, part of Exact Sciences
Classification: Likely benign for XDH-related condition. Last evaluated: 2019-10-21. Review status: no assertion criteria provided. Collection method: clinical testing. Allele origin: germline. Not counted in ClinVar's aggregate classification.
Comment: This variant is classified as likely benign based on ACMG/AMP sequence variant interpretation guidelines (Richards et al. 2015 PMID: 25741868, with internal and published modifications).

Dr. Peter K. Rogan Lab, Western University
No classification provided (evidence only). Condition: Uterine corpus endometrial carcinoma. Review status: no classification provided. Collection method: in vitro. Allele origin: not applicable. Functional consequence: skipped exon. Not counted in ClinVar's aggregate classification.